The following is an entry in ClinVar:

ClinVar aggregate classification (germline): Uncertain significance (1 of 4 stars; one submission).

gnomAD v4.1: 1 of 1,369,912 alleles (0.000073%); highest among the groups gnomAD compares: East Asian, 0.0038%; no homozygotes.

Submission:

GeneDx
Classification: Uncertain significance. Last evaluated: 2022-09-02. Review status: criteria provided, single submitter. Criteria: GeneDx Variant Classification Process June 2021. Collection method: clinical testing. Allele origin: germline. Affected: yes.
Comment: Initiation codon variant in a gene for which functional analyses have identified a possible alternate start site at Met5 although the specific functional effects of this variant are unknown (Camacho-Garcia et al. 2012); Not observed at significant frequency in large population cohorts (gnomAD); Has not been previously published as pathogenic or benign to our knowledge; Reported using an alternate transcript of the gene; This variant is associated with the following publications: (PMID: 24064682)

NM_001330078.2(NRXN1):c.3365-109979A>C

Gene: NRXN1 (neurexin 1; minus strand). Cytogenetic location: 2p16.3.
Variant type: single nucleotide variant.
Coding change: c.3365-109979A>C on transcript NM_001330078.2 (MANE Select); 109979 bases into the intron before coding-DNA position 3365, A replaced by C.
Molecular consequence: intron variant. On other transcripts: missense variant (4), initiator codon variant (4).
Genome position (GRCh38, 1-based): chr2:50,346,949, T>G on the plus strand (A>C on the coding strand, the complement: NRXN1 is on the minus strand). VCF-style: chr2-50346949-T-G. GRCh37 (hg19) VCF-style: chr2-50574087-T-G.
Other names: c.1A>C, p.Met1Leu (NM_001330091.2, NM_001330092.2, NM_001330097.2 and 1 more transcripts); c.3254-109979A>C (NM_001330096.2, NM_001330087.2); c.3299-109979A>C (NM_001330083.2, NM_001330084.2); c.3284-109979A>C (NM_001330088.2); c.3362-109979A>C (NM_001330093.2); c.3353-109979A>C (NM_001330094.2); c.3314-109979A>C (NM_001330095.2); c.3341-109979A>C (NM_001330082.2, NM_001330077.2); and 3 more; short protein forms M1L.
Identifiers: ClinVar variation 2442766 (VCV002442766.2), dbSNP rs1280312011, ClinGen allele CA346820761.